The following is an entry in ClinVar:

ClinVar aggregate classification (germline): Uncertain significance (1 of 4 stars; one submission).

Conditions:
Gastrointestinal stromal tumor. Also called: Gastrointestinal stroma tumor; Gastrointestinal stromal tumor, somatic. Identifiers: Orphanet 44890, MedGen C0238198, MeSH D046152, MONDO:0011719, OMIM 606764, HP:0100723.

Submission:

Labcorp Genetics (formerly Invitae), Labcorp
Classification: Uncertain significance for Gastrointestinal stromal tumor. Last evaluated: 2025-11-25. Review status: criteria provided, single submitter. Criteria: Invitae Variant Classification Sherloc (09022015). Collection method: clinical testing. Allele origin: germline.
Comment: This sequence change affects a donor splice site in intron 9 of the PDGFRA gene. It is expected to disrupt RNA splicing. Variants that disrupt the donor or acceptor splice site typically lead to a loss of protein function (PMID: 16199547), however the current clinical and genetic evidence is not sufficient to establish whether loss-of-function variants in PDGFRA cause disease. This variant is not present in population databases (gnomAD no frequency). This variant has not been reported in the literature in individuals affected with PDGFRA-related conditions. Algorithms developed to predict the effect of sequence changes on RNA splicing suggest that this variant may disrupt the consensus splice site. In summary, the available evidence is currently insufficient to determine the role of this variant in disease. Therefore, it has been classified as a Variant of Uncertain Significance.

Literature cited by the submitters: PubMed 16199547.

NM_006206.6(PDGFRA):c.1364+2T>A

Gene: PDGFRA (platelet derived growth factor receptor alpha; plus strand). Cytogenetic location: 4q12.
Variant type: single nucleotide variant.
Coding change: c.1364+2T>A on transcript NM_006206.6 (MANE Select); the canonical splice donor site of the intron after coding-DNA position 1364, T replaced by A.
Molecular consequence: splice donor variant.
Genome position (GRCh38, 1-based): chr4:54,272,522, T>A. VCF-style: chr4-54272522-T-A. GRCh37 (hg19) VCF-style: chr4-55138689-T-A.
Other names: c.1439+2T>A (NM_001347828.2); c.1364+2T>A (NM_001347827.2, NM_001347829.2); c.1403+2T>A (NM_001347830.2).
Identifiers: ClinVar variation 4809247 (VCV004809247.1).
Genomic context (GRCh38, chr4:54,272,522, plus strand): 5'-ACAGCTGAAGGCACGCCGCTTCCTGATATTGAGTGGATGATATGCAAAGATATTAAGAAG[T>A]ATGGAAAACAGATGTGTCTTCTTCTTTCGTGGTCAGAATATTTCTCCCTTGACACAAATG-3'